The following is an entry in ClinVar:

NM_000059.4(BRCA2):c.4562T>C (p.Leu1521Pro)

Gene: BRCA2 (BRCA2 DNA repair associated; plus strand). Cytogenetic location: 13q13.1.
Variant type: single nucleotide variant.
Coding change: c.4562T>C on transcript NM_000059.4 (MANE Select); coding-DNA position 4562, T replaced by C.
Protein change: p.Leu1521Pro; replaces leucine 1521 with proline.
Molecular consequence: missense variant.
Genome position (GRCh38, 1-based): chr13:32,338,917, T>C. VCF-style: chr13-32338917-T-C. GRCh37 (hg19) VCF-style: chr13-32913054-T-C.
Other names: short protein forms L1521P.
Identifiers: ClinVar variation 825003 (VCV000825003.9), dbSNP rs1200198184, ClinGen allele CA387781836.

ClinVar aggregate classification (germline): Conflicting classifications of pathogenicity. Review status: criteria provided, conflicting classifications (1 of 4 stars). 4 submissions from 4 submitters: Uncertain significance (3); Likely benign (1). Last evaluated 2025-09-15.

Conditions:
Hereditary cancer-predisposing syndrome. Also called: Neoplastic Syndromes, Hereditary; Hereditary Cancer Syndrome; Hereditary neoplastic syndrome; Tumor predisposition. Identifiers: Orphanet 140162, MedGen C0027672, MeSH D009386, MONDO:0015356.
Breast-ovarian cancer, familial, susceptibility to, 2 (BROVCA2). Also called: BRCA2 Hereditary Breast and Ovarian Cancer. Identifiers: Orphanet 145, MedGen C2675520, MONDO:0012933, OMIM 612555. Disease mechanism: loss of function.

Allele frequency attached by ClinVar (database versions not stated): gnomAD exomes below 0.00001 and 0.00001.
gnomAD v4.1: 3 of 1,613,970 alleles (0.00019%); highest among the groups gnomAD compares: Admixed American, 0.0033%; no homozygotes.

Submissions (4):

Quest Diagnostics Nichols Institute San Juan Capistrano
Classification: Uncertain significance. Last evaluated: 2025-09-15. Review status: criteria provided, single submitter. Criteria: Quest Diagnostics criteria. Collection method: clinical testing. Allele origin: unknown.
Comment: The BRCA2 c.4562T>C (p.Leu1521Pro) variant has been reported in the published literature in an individual affected with pancreatic cancer (PMID: 32980694 (2020)). The frequency of this variant in the general population (Genome Aggregation Database) is uninformative in the assessment of its pathogenicity. Analysis of this variant using bioinformatics tools for the prediction of the effect of amino acid changes on protein structure and function yielded predictions that this variant is benign. Based on the available information, we are unable to determine the clinical significance of this variant.

All of Us Research Program, National Institutes of Health
Classification: Uncertain significance for Breast-ovarian cancer, familial, susceptibility to, 2. Last evaluated: 2023-05-16. Review status: criteria provided, single submitter. Criteria: ACMG Guidelines, 2015. Collection method: clinical testing. Allele origin: germline. Inheritance: Autosomal dominant inheritance. Observed: 1 variant allele, 1 heterozygote.
Comment: This missense variant replaces leucine with proline at codon 1521 of the BRCA2 protein. Computational prediction suggests that this variant may not impact protein structure and function (internally defined REVEL score threshold <= 0.5, PMID: 27666373). To our knowledge, functional studies have not been reported for this variant. This variant has been reported in an individual affected with pancreatic cancer (PMID: 32980694). This variant has been identified in 2/250602 chromosomes in the general population by the Genome Aggregation Database (gnomAD). The available evidence is insufficient to determine the role of this variant in disease conclusively. Therefore, this variant is classified as a Variant of Uncertain Significance.

This study involves interpretation of variants in research participants for the purpose of population health screening. Participant phenotype was not available at the time of variant classification. Additional details can be found in publication PMID: 35346344, PMCID: PMC8962531

University of Washington Department of Laboratory Medicine, University of Washington
Classification: Likely benign for Hereditary cancer-predisposing syndrome. Last evaluated: 2023-03-23. Review status: criteria provided, single submitter. Criteria: Dines et al. (Genet Med. 2020). Collection method: curation. Allele origin: germline.
Comment: Missense variant in a coldspot region where missense variants are very unlikely to be pathogenic (PMID:31911673).

BRCA2 exon 11 coldspot. Reclassification based on statistical prior probability.

Ambry Genetics
Classification: Uncertain significance for Hereditary cancer-predisposing syndrome. Last evaluated: 2022-07-29. Review status: criteria provided, single submitter. Criteria: Ambry Variant Classification Scheme 2023. Collection method: clinical testing. Allele origin: germline.
Comment: The p.L1521P variant (also known as c.4562T>C), located in coding exon 10 of the BRCA2 gene, results from a T to C substitution at nucleotide position 4562. The leucine at codon 1521 is replaced by proline, an amino acid with similar properties. This amino acid position is poorly conserved in available vertebrate species. In addition, the in silico prediction for this alteration is inconclusive. Since supporting evidence is limited at this time, the clinical significance of this alteration remains unclear.

Literature cited by the submitters: PubMed 38153744 (cited by Quest Diagnostics Nichols Institute San Juan Capistrano); PubMed 32980694 (cited by Quest Diagnostics Nichols Institute San Juan Capistrano and All of Us Research Program, National Institutes of Health); PubMed 35325018 (cited by Quest Diagnostics Nichols Institute San Juan Capistrano).